The following is an entry in ClinVar:

ClinVar aggregate classification (germline): Uncertain significance (1 of 4 stars; one submission).

gnomAD v4.1: 3 of 1,556,296 alleles (0.00019%); highest among the groups gnomAD compares: Non-Finnish European, 0.00026%; no homozygotes.

Submission:

GeneDx
Classification: Uncertain significance. Last evaluated: 2023-05-30. Review status: criteria provided, single submitter. Criteria: GeneDx Variant Classification Process June 2021. Collection method: clinical testing. Allele origin: germline. Affected: yes.
Comment: Not observed at significant frequency in large population cohorts (gnomAD); In silico analysis supports that this missense variant does not alter protein structure/function; Has not been previously published as pathogenic or benign to our knowledge

NM_014159.7(SETD2):c.1396A>G (p.Lys466Glu)

Gene: SETD2 (SET domain containing 2, histone lysine methyltransferase; minus strand). Cytogenetic location: 3p21.31.
Variant type: single nucleotide variant.
Coding change: c.1396A>G on transcript NM_014159.7 (MANE Select); coding-DNA position 1396, A replaced by G.
Protein change: p.Lys466Glu; replaces lysine 466 with glutamic acid.
Molecular consequence: missense variant. On other transcripts: non-coding transcript variant (1).
Genome position (GRCh38, 1-based): chr3:47,123,240, T>C on the plus strand (A>G on the coding strand, the complement: SETD2 is on the minus strand). VCF-style: chr3-47123240-T-C. GRCh37 (hg19) VCF-style: chr3-47164730-T-C.
Other names: c.1264A>G, p.Lys422Glu (NM_001349370.3); short protein forms K422E, K466E.
Identifiers: ClinVar variation 3361970 (VCV003361970.1).